The following is an entry in ClinVar:

ClinVar aggregate classification (germline): Conflicting classifications of pathogenicity. Review status: criteria provided, conflicting classifications (1 of 4 stars). 6 submissions from 6 submitters: Uncertain significance (3); Benign (1); Likely benign (2). Last evaluated 2026-01-16.

Conditions:
ATP7A-related disorder. Also called: ATP7A-related condition.
Inborn genetic diseases. Identifiers: MedGen C0950123, MeSH D030342.
Ehlers-Danlos syndrome (EDS). Identifiers: Orphanet 98249, MedGen C0013720, MONDO:0020066.
X-linked distal spinal muscular atrophy type 3. Also called: NEURONOPATHY, DISTAL HEREDITARY MOTOR, X-LINKED; NEUROPATHY, DISTAL HEREDITARY MOTOR, X-LINKED; ATP7A-Related Distal Motor Neuropathy; SPINAL MUSCULAR ATROPHY, DISTAL, X-LINKED RECESSIVE. Identifiers: Orphanet 139557, MedGen C1845359, MONDO:0010338, OMIM 300489.
Menkes kinky-hair syndrome (MNK). Also called: Copper transport disease; Menkes Disease; Classic Menkes Disease. Identifiers: Orphanet 565, MedGen C0022716, MONDO:0010651, OMIM 309400.
Cutis laxa, X-linked (OHS). Also called: EDS IX; Occipital horn syndrome. Identifiers: Orphanet 198, MedGen C0268353, MONDO:0010572, OMIM 304150.

Allele frequency attached by ClinVar (database versions not stated): ExAC 0.00006; gnomAD exomes 0.00006 and 0.00021; gnomAD 0.00007; TOPMed 0.00012; ESP Exome Variant Server 0.00019.
gnomAD v4.1: 242 of 1,208,975 alleles (0.02%); highest among the groups gnomAD compares: Non-Finnish European, 0.026%; no homozygotes.

Submissions (6):

Labcorp Genetics (formerly Invitae), Labcorp
Classification: Benign for X-linked distal spinal muscular atrophy type 3; Cutis laxa, X-linked; Menkes kinky-hair syndrome. Last evaluated: 2026-01-16. Review status: criteria provided, single submitter. Criteria: Invitae Variant Classification Sherloc (09022015). Collection method: clinical testing. Allele origin: germline.

PreventionGenetics, part of Exact Sciences
Classification: Likely benign for ATP7A-related condition. Last evaluated: 2025-08-12. Review status: criteria provided, single submitter. Criteria: ACMG Guidelines, 2015. Collection method: clinical testing. Allele origin: germline.
Comment: This variant is classified as likely benign based on ACMG/AMP sequence variant interpretation guidelines (Richards et al. 2015 PMID: 25741868, with internal and published modifications).

Mayo Clinic Laboratories, Mayo Clinic
Classification: Uncertain significance. Last evaluated: 2024-08-23. Review status: criteria provided, single submitter. Criteria: ACMG Guidelines, 2015. Collection method: clinical testing. Allele origin: germline. Observed: 1 variant allele.
Comment: BP4

GeneDx
Classification: Likely benign. Last evaluated: 2024-04-10. Review status: criteria provided, single submitter. Criteria: GeneDx Variant Classification Process June 2021. Collection method: clinical testing. Allele origin: germline. Affected: yes.
Comment: In silico analysis indicates that this missense variant does not alter protein structure/function

Genome Diagnostics Laboratory, The Hospital for Sick Children
Classification: Uncertain significance for Ehlers-Danlos syndrome. Last evaluated: 2021-02-12. Review status: criteria provided, single submitter. Criteria: ACMG Guidelines, 2015. Collection method: clinical testing. Allele origin: germline.

Ambry Genetics
Classification: Uncertain significance for Inborn genetic diseases. Last evaluated: 2020-03-18. Review status: criteria provided, single submitter. Criteria: Ambry Variant Classification Scheme 2023. Collection method: clinical testing. Allele origin: germline.
Comment: The p.I1189V variant (also known as c.3565A>G), located in coding exon 17 of the ATP7A gene, results from an A to G substitution at nucleotide position 3565. The isoleucine at codon 1189 is replaced by valine, an amino acid with highly similar properties. This amino acid position is not well conserved in available vertebrate species. In addition, this alteration is predicted to be tolerated by in silico analysis. Since supporting evidence is limited at this time, the clinical significance of this alteration remains unclear.

NM_000052.7(ATP7A):c.3565A>G (p.Ile1189Val)

Gene: ATP7A (ATPase copper transporting alpha; plus strand). Cytogenetic location: Xq21.1.
Variant type: single nucleotide variant.
Coding change: c.3565A>G on transcript NM_000052.7 (MANE Select); coding-DNA position 3565, A replaced by G.
Protein change: p.Ile1189Val; replaces isoleucine 1189 with valine.
Molecular consequence: missense variant. On other transcripts: non-coding transcript variant (1).
Genome position (GRCh38, 1-based): chrX:78,038,889, A>G. VCF-style: chrX-78038889-A-G. GRCh37 (hg19) VCF-style: chrX-77294387-A-G.
Other names: p.Ile1189Val; c.3331A>G, p.Ile1111Val (NM_001282224.2); short protein forms I1189V, I1111V.
Identifiers: ClinVar variation 245706 (VCV000245706.20), dbSNP rs368917354, ClinGen allele CA10459435.